The following is an entry in ClinVar:

NM_004239.4(TRIP11):c.3885T>G (p.Ile1295Met)

Gene: TRIP11 (thyroid hormone receptor interactor 11; minus strand). Cytogenetic location: 14q32.12.
Variant type: single nucleotide variant.
Coding change: c.3885T>G on transcript NM_004239.4 (MANE Select); coding-DNA position 3885, T replaced by G.
Protein change: p.Ile1295Met; replaces isoleucine 1295 with methionine.
Molecular consequence: missense variant.
Genome position (GRCh38, 1-based): chr14:92,004,091, A>C on the plus strand (T>G on the coding strand, the complement: TRIP11 is on the minus strand). VCF-style: chr14-92004091-A-C. GRCh37 (hg19) VCF-style: chr14-92470435-A-C.
Other names: c.3882T>G, p.Ile1294Met (NM_001321851.1); short protein forms I1294M, I1295M.
Identifiers: ClinVar variation 4055953 (VCV004055953.1).

ClinVar aggregate classification (germline): Uncertain significance (1 of 4 stars; one submission).

Submission:

GeneDx
Classification: Uncertain significance. Last evaluated: 2025-01-03. Review status: criteria provided, single submitter. Criteria: GeneDx Variant Classification Process June 2021. Collection method: clinical testing. Allele origin: germline. Affected: yes.
Comment: Not observed at significant frequency in large population cohorts (gnomAD); In silico analysis indicates that this missense variant does not alter protein structure/function; Has not been previously published as pathogenic or benign to our knowledge